The following is an entry in ClinVar:

NM_144991.3(TSPEAR):c.714G>A (p.Ala238=)

Gene: TSPEAR (thrombospondin type laminin G domain and EAR repeats; minus strand). Cytogenetic location: 21q22.3.
Variant type: single nucleotide variant.
Coding change: c.714G>A on transcript NM_144991.3 (MANE Select); coding-DNA position 714, G replaced by A.
Protein change: p.Ala238=; no amino-acid change (alanine 238 retained).
Molecular consequence: synonymous variant.
Genome position (GRCh38, 1-based): chr21:44,529,874, C>T on the plus strand (G>A on the coding strand, the complement: TSPEAR is on the minus strand). VCF-style: chr21-44529874-C-T. GRCh37 (hg19) VCF-style: chr21-45949757-C-T.
Other names: c.510G>A, p.Ala170= (NM_001272037.2).
Identifiers: ClinVar variation 228055 (VCV000228055.41), dbSNP rs146025689, ClinGen allele CA10056880.

ClinVar aggregate classification (germline): Benign/Likely benign. Review status: criteria provided, multiple submitters, no conflicts (2 of 4 stars). 6 submissions from 6 submitters: Benign (1); Likely benign (4). 1 of the submissions does not count toward it. Last evaluated 2025-11-22.

Conditions:
TSPEAR-related disorder. Also called: TSPEAR-related condition.

Allele frequency attached by ClinVar (database versions not stated): 1000 Genomes Project 0.00080; ExAC 0.00084; gnomAD 0.00089 and 0.00090; TOPMed 0.00090; gnomAD exomes 0.00102; 1000 Genomes Project 30x 0.00109; ESP Exome Variant Server 0.00161.
gnomAD v4.1: 1,963 of 1,613,622 alleles (0.12%); highest among the groups gnomAD compares: Non-Finnish European, 0.12%; 8 homozygotes.

Submissions (6):

Labcorp Genetics (formerly Invitae), Labcorp
Classification: Likely benign. Last evaluated: 2025-11-22. Review status: criteria provided, single submitter. Criteria: Invitae Variant Classification Sherloc (09022015). Collection method: clinical testing. Allele origin: germline.

Blueprint Genetics
Classification: Likely benign. Last evaluated: 2024-11-26. Review status: criteria provided, single submitter. Criteria: ACMG Guidelines, 2015. Collection method: clinical testing. Allele origin: germline.

CeGaT Center for Human Genetics Tuebingen
Classification: Likely benign. Last evaluated: 2024-05-01. Review status: criteria provided, single submitter. Criteria: CeGaT Center For Human Genetics Tuebingen Variant Classification Criteria Version 2. Collection method: clinical testing. Allele origin: germline. Affected: yes. Observed: 2 variant alleles.
Comment: TSPEAR: BP4, BP7

GeneDx
Classification: Likely benign. Last evaluated: 2020-10-28. Review status: criteria provided, single submitter. Criteria: GeneDx Variant Classification Process June 2021. Collection method: clinical testing. Allele origin: germline. Affected: yes.

Laboratory for Molecular Medicine, Mass General Brigham Personalized Medicine
Classification: Benign. Last evaluated: 2017-05-16. Review status: criteria provided, single submitter. Criteria: LMM Criteria. Collection method: clinical testing. Allele origin: germline. Observed: 2 variant alleles.
Comment: p.Ala238Ala in exon 5 of TSPEAR: This variant is not expected to have clinical s ignificance because it does not alter an amino acid residue, is not located with in the splice consensus sequence, and has been identified in 1.1% (113/10126) of Ashkenazi Jewish chromosomes by the Genome Aggregation Database (gnomAD; dbSNP rs146025689).

PreventionGenetics, part of Exact Sciences
Classification: Benign for TSPEAR-related condition. Last evaluated: 2022-05-14. Review status: no assertion criteria provided. Collection method: clinical testing. Allele origin: germline. Not counted in ClinVar's aggregate classification.
Comment: This variant is classified as benign based on ACMG/AMP sequence variant interpretation guidelines (Richards et al. 2015 PMID: 25741868, with internal and published modifications).